The following is an entry in ClinVar:

ClinVar aggregate classification (germline): Benign. Review status: criteria provided, multiple submitters, no conflicts (2 of 4 stars). 2 submissions from 2 submitters: Benign (2). Last evaluated 2017-04-27.

Conditions:
Congenital generalized lipodystrophy type 4. Also called: BERARDINELLI-SEIP CONGENITAL LIPODYSTROPHY, TYPE 4, WITH MUSCULAR DYSTROPHY. Identifiers: Orphanet 228429, MedGen C2750069, MONDO:0013225, OMIM 613327.

Allele frequency attached by ClinVar (database versions not stated): gnomAD 0.83632 and 0.84406; TOPMed 0.83702; 1000 Genomes Project 30x 0.85087; 1000 Genomes Project 0.85982.

Submissions (2):

Illumina Laboratory Services, Illumina
Classification: Benign for Congenital generalized lipodystrophy type 4. Last evaluated: 2017-04-27. Review status: criteria provided, single submitter. Criteria: ICSL Variant Classification Criteria 13 December 2019. Collection method: clinical testing. Allele origin: germline.
Comment: This variant was observed as part of a predisposition screen in an ostensibly healthy population. A literature search was performed for the gene, cDNA change, and amino acid change (where applicable). No publications were found based on this search. Allele frequency data from public databases was too high to be consistent with this variant causing disease. Therefore, this variant is classified as benign.

Breakthrough Genomics
Classification: Benign. Review status: criteria provided, single submitter. Criteria: ACMG Guidelines, 2015. Collection method: not provided. Allele origin: germline. Inheritance: Autosomal recessive inheritance. Affected: yes.

NM_012232.6(CAVIN1):c.*815A>G

Gene: CAVIN1 (caveolae associated protein 1; minus strand). Cytogenetic location: 17q21.2.
Variant type: single nucleotide variant.
Coding change: c.*815A>G on transcript NM_012232.6 (MANE Select); 815 bases downstream of the stop codon, A replaced by G.
Molecular consequence: 3 prime UTR variant.
Genome position (GRCh38, 1-based): chr17:42,403,872, T>C on the plus strand (A>G on the coding strand, the complement: CAVIN1 is on the minus strand). VCF-style: chr17-42403872-T-C. GRCh37 (hg19) VCF-style: chr17-40555890-T-C.
Identifiers: ClinVar variation 323267 (VCV000323267.6), dbSNP rs6416922, ClinGen allele CA10649268.